The following is an entry in ClinVar:

NM_004415.4(DSP):c.4536T>A (p.Tyr1512Ter)

Gene: DSP (desmoplakin; plus strand). Cytogenetic location: 6p24.3.
Variant type: single nucleotide variant.
Coding change: c.4536T>A on transcript NM_004415.4 (MANE Select); coding-DNA position 4536, T replaced by A.
Protein change: p.Tyr1512Ter; replaces tyrosine 1512 with a stop codon.
Molecular consequence: nonsense. On other transcripts: intron variant (2).
Genome position (GRCh38, 1-based): chr6:7,580,726, T>A. VCF-style: chr6-7580726-T-A. GRCh37 (hg19) VCF-style: chr6-7580959-T-A.
Other names: c.4050+486T>A (NM_001319034.2); c.3582+954T>A (NM_001008844.3); short protein forms Y1512*.
Identifiers: ClinVar variation 2775311 (VCV002775311.2), dbSNP rs2533929104, ClinGen allele CA362686526.

ClinVar aggregate classification (germline): Pathogenic (1 of 4 stars; one submission).

Conditions:
Cardiomyopathy (CMYO). Also called: Cardiomyopathies. Identifiers: Orphanet 167848, MedGen C0878544, MONDO:0004994, HP:0001638. Inheritance: Various modes of inheritance.

Submission:

Color Diagnostics, LLC DBA Color Health
Classification: Pathogenic for Cardiomyopathy. Last evaluated: 2023-01-09. Review status: criteria provided, single submitter. Criteria: ACMG Guidelines, 2015. Collection method: clinical testing. Allele origin: germline.
Comment: This variant changes 1 nucleotide in exon 23 of the DSP gene, creating a premature translation stop signal. This variant is expected to result in an absent or non-functional protein product. This variant has been reported in an individual affected with dilated cardiomyopathy (PMID: 32410525). Loss of DSP function is a known mechanism of disease. Based on the available evidence, this variant is classified as Pathogenic.

Literature cited by the submitters: PubMed 32410525.